The following is an entry in ClinVar:

ClinVar aggregate classification (germline): Uncertain significance (1 of 4 stars; one submission).

Conditions:
Hereditary cancer-predisposing syndrome. Also called: Tumor predisposition; Hereditary neoplastic syndrome; Hereditary Cancer Syndrome; Neoplastic Syndromes, Hereditary. Identifiers: Orphanet 140162, MedGen C0027672, MeSH D009386, MONDO:0015356.

Submission:

Ambry Genetics
Classification: Uncertain significance for Hereditary cancer-predisposing syndrome. Last evaluated: 2025-03-30. Review status: criteria provided, single submitter. Criteria: Ambry Variant Classification Scheme 2023. Collection method: clinical testing. Allele origin: germline.
Comment: The p.I481N variant (also known as c.1442T>A), located in coding exon 16 of the RB1 gene, results from a T to A substitution at nucleotide position 1442. The isoleucine at codon 481 is replaced by asparagine, an amino acid with dissimilar properties. This amino acid position is conserved. In addition, the in silico prediction for this alteration is inconclusive. Based on the available evidence, the clinical significance of this variant remains unclear.

NM_000321.3(RB1):c.1442T>A (p.Ile481Asn)

Gene: RB1 (RB transcriptional corepressor 1; plus strand). Cytogenetic location: 13q14.2.
Variant type: single nucleotide variant.
Coding change: c.1442T>A on transcript NM_000321.3 (MANE Select); coding-DNA position 1442, T replaced by A.
Protein change: p.Ile481Asn; replaces isoleucine 481 with asparagine.
Molecular consequence: missense variant.
Genome position (GRCh38, 1-based): chr13:48,380,185, T>A. VCF-style: chr13-48380185-T-A. GRCh37 (hg19) VCF-style: chr13-48954321-T-A.
Other names: c.1442T>A, p.Ile481Asn (NM_001407165.1, NM_001407166.1); short protein forms I481N.
Identifiers: ClinVar variation 3943336 (VCV003943336.1).